The following is an entry in ClinVar:

NM_001148.6(ANK2):c.3094G>A (p.Glu1032Lys)

Gene: ANK2 (ankyrin 2; plus strand). Cytogenetic location: 4q26.
Variant type: single nucleotide variant.
Coding change: c.3094G>A on transcript NM_001148.6 (MANE Select); coding-DNA position 3094, G replaced by A.
Protein change: p.Glu1032Lys; replaces glutamic acid 1032 with lysine.
Molecular consequence: missense variant.
Genome position (GRCh38, 1-based): chr4:113,330,439, G>A. VCF-style: chr4-113330439-G-A. GRCh37 (hg19) VCF-style: chr4-114251595-G-A.
Other names: c.2908G>A, p.Glu970Lys (NM_001354260.2, NM_001354271.2, NM_001386151.1); c.3052G>A, p.Glu1018Lys (NM_001354261.2, NM_001386147.1); c.3031G>A, p.Glu1011Lys (NM_001354262.2, NM_001354275.2, NM_001386143.1 and 3 more transcripts); c.3007G>A, p.Glu1003Lys (NM_001354264.2, NM_001354266.2, NM_001354267.2 and 7 more transcripts); c.3091G>A, p.Glu1031Lys (NM_001354265.2, NM_001354235.2, NM_001354236.2 and 1 more transcripts); c.2995G>A, p.Glu999Lys (NM_001354268.2); c.2881G>A, p.Glu961Lys (NM_001354269.3); c.2968G>A, p.Glu990Lys (NM_001354270.2, NM_001354253.2); and 23 more; short protein forms E1010K, E1013K, E1036K, E241K, E970K, E1011K, E1018K, E1032K.
Identifiers: ClinVar variation 5022068 (VCV005022068.1).

ClinVar aggregate classification (germline): Uncertain significance (1 of 4 stars; one submission).

Conditions:
Cardiovascular phenotype. Identifiers: MedGen CN230736.

gnomAD v4.1: 17 of 1,614,066 alleles (0.0011%); highest among the groups gnomAD compares: South Asian, 0.011%; no homozygotes.

Submission:

Ambry Genetics
Classification: Uncertain significance for Cardiovascular phenotype. Last evaluated: 2026-08-10. Review status: criteria provided, single submitter. Criteria: Ambry Variant Classification Scheme 2023. Collection method: clinical testing. Allele origin: germline.
Comment: The p.E1032K variant (also known as c.3094G>A), located in coding exon 27 of the ANK2 gene, results from a G to A substitution at nucleotide position 3094. The glutamic acid at codon 1032 is replaced by lysine, an amino acid with similar properties. This amino acid position is conserved. In addition, this alteration is predicted to be deleterious by in silico analysis. Based on the available evidence, the clinical significance of this variant remains unclear.